The following is an entry in ClinVar:

ClinVar aggregate classification (germline): Uncertain significance (1 of 4 stars; one submission).

Allele frequency attached by ClinVar (database versions not stated): gnomAD exomes below 0.00001; TOPMed below 0.00001.
gnomAD v4.1: 1 of 1,614,152 alleles (0.000062%); highest among the groups gnomAD compares: Non-Finnish European, 0.000085%; no homozygotes.

Submission:

Labcorp Genetics (formerly Invitae), Labcorp
Classification: Uncertain significance. Last evaluated: 2022-08-08. Review status: criteria provided, single submitter. Criteria: Invitae Variant Classification Sherloc (09022015). Collection method: clinical testing. Allele origin: germline.
Comment: This sequence change replaces glycine, which is neutral and non-polar, with serine, which is neutral and polar, at codon 508 of the TSEN54 protein (p.Gly508Ser). This variant is not present in population databases (gnomAD no frequency). This variant has not been reported in the literature in individuals affected with TSEN54-related conditions. ClinVar contains an entry for this variant (Variation ID: 1373652). Algorithms developed to predict the effect of missense changes on protein structure and function are either unavailable or do not agree on the potential impact of this missense change (SIFT: "Tolerated"; PolyPhen-2: "Possibly Damaging"; Align-GVGD: "Class C0"). Algorithms developed to predict the effect of sequence changes on RNA splicing suggest that this variant may create or strengthen a splice site. In summary, the available evidence is currently insufficient to determine the role of this variant in disease. Therefore, it has been classified as a Variant of Uncertain Significance.

NM_207346.3(TSEN54):c.1522G>A (p.Gly508Ser)

Gene: TSEN54 (tRNA splicing endonuclease subunit 54; plus strand). Cytogenetic location: 17q25.1.
Variant type: single nucleotide variant.
Coding change: c.1522G>A on transcript NM_207346.3 (MANE Select); coding-DNA position 1522, G replaced by A.
Protein change: p.Gly508Ser; replaces glycine 508 with serine.
Molecular consequence: missense variant.
Genome position (GRCh38, 1-based): chr17:75,524,353, G>A. VCF-style: chr17-75524353-G-A. GRCh37 (hg19) VCF-style: chr17-73520434-G-A.
Other names: short protein forms G508S.
Identifiers: ClinVar variation 1373652 (VCV001373652.3), dbSNP rs2053477029, ClinGen allele CA401031349.